The following is an entry in ClinVar:

ClinVar aggregate classification (germline): Uncertain significance. Review status: criteria provided, single submitter (1 of 4 stars). 2 submissions from 2 submitters: Uncertain significance (1). 1 of the submissions does not count toward it. Last evaluated 2022-02-10.

Conditions:
Developmental and epileptic encephalopathy, 36 (DEE36). Also called: Congenital disorder of glycosylation, type Is; Epileptic encephalopathy, early infantile, 36; ALG13-CDG. Identifiers: Orphanet 324422, MedGen C4317295, MONDO:0010472, OMIM 300884.

Submissions (2):

Fulgent Genetics
Classification: Uncertain significance for Developmental and epileptic encephalopathy, 36. Last evaluated: 2022-02-10. Review status: criteria provided, single submitter. Criteria: ACMG Guidelines, 2015. Collection method: clinical testing. Allele origin: unknown.

Department of Pathology and Laboratory Medicine, Sinai Health System
Classification: Uncertain significance. Review status: no assertion criteria provided. Collection method: clinical testing. Allele origin: unknown. Affected: yes. Study: The Canadian Open Genetics Repository (COGR). Not counted in ClinVar's aggregate classification.
Comment: The ALG13 p.Gly58Glu variant was not identified in the literature nor was it identified in dbSNP, ClinVar or in the following control databases: the 1000 Genomes Project, the NHLBI GO Exome Sequencing Project, or the Genome Aggregation Database (March 6, 2019, v2.1.1). The p.Gly58 residue is not conserved in mammals and computational analyses (PolyPhen-2, SIFT, AlignGVGD, BLOSUM, MutationTaster) provide inconsistent predictions regarding the impact to the protein; this information is not very predictive of pathogenicity. The variant occurs outside of the splicing consensus sequence and in silico or computational prediction software programs (SpliceSiteFinder, MaxEntScan, NNSPLICE, GeneSplicer) do not predict a difference in splicing. In summary, based on the above information the clinical significance of this variant cannot be determined with certainty at this time. This variant is classified as a variant of uncertain significance.

NM_001099922.3(ALG13):c.383+2885G>A

Gene: ALG13 (ALG13 UDP-N-acetylglucosaminyltransferase subunit; plus strand). Cytogenetic location: Xq23.
Variant type: single nucleotide variant.
Coding change: c.383+2885G>A on transcript NM_001099922.3 (MANE Select); 2885 bases into the intron after coding-DNA position 383, G replaced by A.
Molecular consequence: intron variant. On other transcripts: 3 prime UTR variant (2), missense variant (8), non-coding transcript variant (2).
Genome position (GRCh38, 1-based): chrX:111,687,988, G>A. VCF-style: chrX-111687988-G-A. GRCh37 (hg19) VCF-style: chrX-110931216-G-A.
Other names: c.*9G>A (NM_001039210.5); c.*121G>A (NM_001168385.3); c.173G>A, p.Gly58Glu (NM_001257235.3, NM_001257239.3, NM_001257240.3 and 2 more transcripts); c.251G>A, p.Gly84Glu (NM_001257241.3); c.491G>A, p.Gly164Glu (NM_001324290.2); c.485G>A, p.Gly162Glu (NM_018466.6); c.71+2885G>A (NM_001257237.2, NM_001324293.1, NM_001257234.2 and 1 more transcripts); c.149+2885G>A (NM_001257231.2); and 1 more; short protein forms G162E, G164E, G58E, G84E.
Identifiers: ClinVar variation 1049721 (VCV001049721.2), dbSNP rs2147754268, ClinGen allele CA414249156.